The following is an entry in ClinVar:

ClinVar aggregate classification (germline): Uncertain significance (1 of 4 stars; one submission).

Submission:

Labcorp Genetics (formerly Invitae), Labcorp
Classification: Uncertain significance. Last evaluated: 2022-07-21. Review status: criteria provided, single submitter. Criteria: Invitae Variant Classification Sherloc (09022015). Collection method: clinical testing. Allele origin: germline.
Comment: In summary, the available evidence is currently insufficient to determine the role of this variant in disease. Therefore, it has been classified as a Variant of Uncertain Significance. Algorithms developed to predict the effect of missense changes on protein structure and function are either unavailable or do not agree on the potential impact of this missense change (SIFT: "Tolerated"; PolyPhen-2: "Probably Damaging"; Align-GVGD: "Class C0"). This variant has not been reported in the literature in individuals affected with HMCN1-related conditions. This variant is not present in population databases (gnomAD no frequency). This sequence change replaces lysine, which is basic and polar, with arginine, which is basic and polar, at codon 2335 of the HMCN1 protein (p.Lys2335Arg).

NM_031935.3(HMCN1):c.7004A>G (p.Lys2335Arg)

Gene: HMCN1 (hemicentin 1; plus strand). Cytogenetic location: 1q31.1.
Variant type: single nucleotide variant.
Coding change: c.7004A>G on transcript NM_031935.3 (MANE Select); coding-DNA position 7004, A replaced by G.
Protein change: p.Lys2335Arg; replaces lysine 2335 with arginine.
Molecular consequence: missense variant.
Genome position (GRCh38, 1-based): chr1:186,055,534, A>G. VCF-style: chr1-186055534-A-G. GRCh37 (hg19) VCF-style: chr1-186024666-A-G.
Other names: short protein forms K2335R.
Identifiers: ClinVar variation 1721690 (VCV001721690.5), dbSNP rs2527721794, ClinGen allele CA343902076.